The following is an entry in ClinVar:

ClinVar aggregate classification (germline): Likely benign. Review status: criteria provided, multiple submitters, no conflicts (2 of 4 stars). 2 submissions from 2 submitters: Likely benign (2). Last evaluated 2025-10-13.

Conditions:
Peroxisome biogenesis disorder, complementation group 7 (CG7). Also called: Peroxisome biogenesis disorder, complementation group B. Identifiers: MedGen C1864399.
PEX10-related disorder. Also called: PEX10-related condition.

Allele frequency attached by ClinVar (database versions not stated): TOPMed below 0.00001; gnomAD 0.00001.

Submissions (2):

PreventionGenetics, part of Exact Sciences
Classification: Likely benign for PEX10-related condition. Last evaluated: 2025-10-13. Review status: criteria provided, single submitter. Criteria: ACMG Guidelines, 2015. Collection method: clinical testing. Allele origin: germline.
Comment: This variant is classified as likely benign based on ACMG/AMP sequence variant interpretation guidelines (Richards et al. 2015 PMID: 25741868, with internal and published modifications).

Labcorp Genetics (formerly Invitae), Labcorp
Classification: Likely benign for Peroxisome biogenesis disorder, complementation group 7. Last evaluated: 2024-02-19. Review status: criteria provided, single submitter. Criteria: Invitae Variant Classification Sherloc (09022015). Collection method: clinical testing. Allele origin: germline.

NM_002617.4(PEX10):c.618G>A (p.Leu206=)

Gene: PEX10 (peroxisomal biogenesis factor 10; minus strand). Cytogenetic location: 1p36.32.
Variant type: single nucleotide variant.
Coding change: c.618G>A on transcript NM_002617.4 (MANE Select); coding-DNA position 618, G replaced by A.
Protein change: p.Leu206=; no amino-acid change (leucine 206 retained).
Molecular consequence: synonymous variant. On other transcripts: non-coding transcript variant (1).
Genome position (GRCh38, 1-based): chr1:2,406,878, C>T on the plus strand (G>A on the coding strand, the complement: PEX10 is on the minus strand). VCF-style: chr1-2406878-C-T. GRCh37 (hg19) VCF-style: chr1-2338317-C-T.
Other names: c.678G>A (NM_153818.1); c.675G>A, p.Leu225= (NM_001374425.1); c.243G>A, p.Leu81= (NM_001374426.1); c.186G>A, p.Leu62= (NM_001374427.1); c.678G>A, p.Leu226= (NM_153818.2).
Identifiers: ClinVar variation 2034441 (VCV002034441.5), dbSNP rs1643026652, ClinGen allele CA415775789.